The following is an entry in ClinVar:

ClinVar aggregate classification (germline): Uncertain significance (1 of 4 stars; one submission).

Conditions:
Dilated cardiomyopathy 1G (CMD1G). Identifiers: Orphanet 154, MedGen C1858763, MONDO:0011400, OMIM 604145.
Autosomal recessive limb-girdle muscular dystrophy type 2J (LGMDR10). Also called: Limb-girdle muscular dystrophy, type 2J; MUSCULAR DYSTROPHY, LIMB-GIRDLE, AUTOSOMAL RECESSIVE 10. Identifiers: Orphanet 140922, MedGen C1837342, MONDO:0012127, OMIM 608807.

Allele frequency attached by ClinVar (database versions not stated): gnomAD exomes below 0.00001; gnomAD 0.00001.
gnomAD v4.1: 2 of 1,613,864 alleles (0.00012%); highest among the groups gnomAD compares: Non-Finnish European, 0.00017%; no homozygotes.

Submission:

Labcorp Genetics (formerly Invitae), Labcorp
Classification: Uncertain significance for Dilated cardiomyopathy 1G; Autosomal recessive limb-girdle muscular dystrophy type 2J. Last evaluated: 2024-04-01. Review status: criteria provided, single submitter. Criteria: Invitae Variant Classification Sherloc (09022015). Collection method: clinical testing. Allele origin: germline.
Comment: This sequence change replaces methionine, which is neutral and non-polar, with isoleucine, which is neutral and non-polar, at codon 35073 of the TTN protein (p.Met35073Ile). This variant is not present in population databases (gnomAD no frequency). This variant has not been reported in the literature in individuals affected with TTN-related conditions. ClinVar contains an entry for this variant (Variation ID: 1011799). Experimental studies and prediction algorithms are not available or were not evaluated, and the functional significance of this variant is currently unknown. This variant is located in the M band of TTN (PMID: 25589632). Non-truncating variants in this region may be relevant for neuromuscular disorders, but have not been definitively shown to cause cardiomyopathy (PMID: 23975875). In summary, the available evidence is currently insufficient to determine the role of this variant in disease. Therefore, it has been classified as a Variant of Uncertain Significance.

Literature cited by the submitters: PubMed 25589632; PubMed 23975875.

NM_001267550.2(TTN):c.105219G>A (p.Met35073Ile)

Genes: TTN (titin; minus strand), TTN-AS1 (TTN antisense RNA 1; plus strand). Cytogenetic location: 2q31.2.
Variant type: single nucleotide variant.
Coding change: c.105219G>A on transcript NM_001267550.2 (MANE Select); coding-DNA position 105219, G replaced by A.
Protein change: p.Met35073Ile; replaces methionine 35073 with isoleucine.
Molecular consequence: missense variant.
Genome position (GRCh38, 1-based): chr2:178,531,396, C>T on the plus strand (G>A on the coding strand, the complement: TTN is on the minus strand). VCF-style: chr2-178531396-C-T. GRCh37 (hg19) VCF-style: chr2-179396123-C-T.
Other names: c.100296G>A, p.Met33432Ile (NM_001256850.1); c.78024G>A, p.Met26008Ile (NM_003319.4); c.97515G>A, p.Met32505Ile (NM_133378.4); c.78399G>A, p.Met26133Ile (NM_133432.3); c.78600G>A, p.Met26200Ile (NM_133437.4); short protein forms M26008I, M26133I, M26200I, M32505I, M33432I, M35073I.
Identifiers: ClinVar variation 1011799 (VCV001011799.7), dbSNP rs1689052563, ClinGen allele CA349409238.